The following is an entry in ClinVar:

ClinVar aggregate classification (germline): Uncertain significance (1 of 4 stars; one submission).

Conditions:
SEMA3E-related disorder. Also called: SEMA3E-related condition.

Submission:

PreventionGenetics, part of Exact Sciences
Classification: Uncertain significance for SEMA3E-related condition. Last evaluated: 2025-05-22. Review status: criteria provided, single submitter. Criteria: ACMG Guidelines, 2015. Collection method: clinical testing. Allele origin: germline.
Comment: The SEMA3E c.2029A>G variant is predicted to result in the amino acid substitution p.Lys677Glu. To our knowledge, this variant has not been reported in the literature or in a large population database (gnomAD), indicating this variant is rare. At this time, the clinical significance of this variant is uncertain due to the absence of conclusive functional and genetic evidence.

NM_012431.3(SEMA3E):c.2029A>G (p.Lys677Glu)

Gene: SEMA3E (semaphorin 3E; minus strand). Cytogenetic location: 7q21.11.
Variant type: single nucleotide variant.
Coding change: c.2029A>G on transcript NM_012431.3 (MANE Select); coding-DNA position 2029, A replaced by G.
Protein change: p.Lys677Glu; replaces lysine 677 with glutamic acid.
Molecular consequence: missense variant.
Genome position (GRCh38, 1-based): chr7:83,367,885, T>C on the plus strand (A>G on the coding strand, the complement: SEMA3E is on the minus strand). VCF-style: chr7-83367885-T-C. GRCh37 (hg19) VCF-style: chr7-82997201-T-C.
Other names: c.1849A>G, p.Lys617Glu (NM_001178129.2); short protein forms K677E, K617E.
Identifiers: ClinVar variation 4999594 (VCV004999594.1).